The following is an entry in ClinVar:

NM_020831.6(MRTFA):c.2579-3C>T

Gene: MRTFA (myocardin related transcription factor A; minus strand). Cytogenetic location: 22q13.1.
Variant type: single nucleotide variant.
Coding change: c.2579-3C>T on transcript NM_020831.6 (MANE Select); 3 bases into the intron before coding-DNA position 2579, C replaced by T.
Molecular consequence: intron variant.
Genome position (GRCh38, 1-based): chr22:40,411,910, G>A on the plus strand (C>T on the coding strand, the complement: MRTFA is on the minus strand). VCF-style: chr22-40411910-G-A. GRCh37 (hg19) VCF-style: chr22-40807914-G-A.
Other names: c.2589-3C>T (NM_001282662.3); c.2384-3C>T (NM_001318139.2); c.2279-3C>T (NM_001282660.2); c.2429-3C>T (NM_001282661.3).
Identifiers: ClinVar variation 4778663 (VCV004778663.1).

ClinVar aggregate classification (germline): Uncertain significance (1 of 4 stars; one submission).

gnomAD v4.1: 3 of 1,482,116 alleles (0.0002%); highest among the groups gnomAD compares: Non-Finnish European, 0.00027%; no homozygotes.

Submission:

Labcorp Genetics (formerly Invitae), Labcorp
Classification: Uncertain significance. Last evaluated: 2025-12-17. Review status: criteria provided, single submitter. Criteria: Invitae Variant Classification Sherloc (09022015). Collection method: clinical testing. Allele origin: germline.
Comment: This sequence change falls in intron 14 of the MKL1 gene. It does not directly change the encoded amino acid sequence of the MKL1 protein. It affects a nucleotide within the consensus splice site. This variant is present in population databases (no rsID available, gnomAD 0.004%). This variant has not been reported in the literature in individuals affected with MKL1-related conditions. Variants that disrupt the consensus splice site are a relatively common cause of aberrant splicing (PMID: 17576681, 9536098). Algorithms developed to predict the effect of sequence changes on RNA splicing suggest that this variant is not likely to affect RNA splicing. In summary, the available evidence is currently insufficient to determine the role of this variant in disease. Therefore, it has been classified as a Variant of Uncertain Significance.

Literature cited by the submitters: PubMed 17576681; PubMed 9536098.